The following is an entry in ClinVar:

NM_001267550.2(TTN):c.31519_31523dup (p.Gln10509fs)

Gene: TTN (titin; minus strand). Cytogenetic location: 2q31.2.
Variant type: Duplication.
Coding change: c.31519_31523dup on transcript NM_001267550.2 (MANE Select); coding-DNA positions 31519 to 31523, 5 bases duplicated (GAGGT; older notation c.31519_31523dupGAGGT).
Protein change: p.Gln10509fs; shifts the reading frame from glutamine 10509.
Molecular consequence: frameshift variant. On other transcripts: intron variant (3).
Genome position (GRCh38, 1-based): chr2:178,693,680-178,693,684, ACCTC duplicated on the plus strand (GAGGT on the coding strand, the reverse complement: TTN is on the minus strand). VCF-style (leftmost placement, unchanged base first): chr2-178693679-T-TACCTC. GRCh37 (hg19) VCF-style: chr2-179558406-T-TACCTC.
Other names: c.30568_30572dup, p.Gln10192fs (NM_001256850.1); c.27787_27791dup, p.Gln9265fs (NM_133378.4); c.13282+44398_13282+44402dup (NM_003319.4); c.13858+44398_13858+44402dup (NM_133437.4); c.13657+44398_13657+44402dup (NM_133432.3); short protein forms Q10192fs, Q10509fs, Q9265fs.
Identifiers: ClinVar variation 1379814 (VCV001379814.6), dbSNP rs2154281189, ClinGen allele CA2573133920.

ClinVar aggregate classification (germline): Likely pathogenic (1 of 4 stars; one submission).

Conditions:
Dilated cardiomyopathy 1G (CMD1G). Identifiers: Orphanet 154, MedGen C1858763, MONDO:0011400, OMIM 604145.
Autosomal recessive limb-girdle muscular dystrophy type 2J (LGMDR10). Also called: MUSCULAR DYSTROPHY, LIMB-GIRDLE, AUTOSOMAL RECESSIVE 10; Limb-girdle muscular dystrophy, type 2J. Identifiers: Orphanet 140922, MedGen C1837342, MONDO:0012127, OMIM 608807.

Submission:

Labcorp Genetics (formerly Invitae), Labcorp
Classification: Likely pathogenic for Dilated cardiomyopathy 1G; Autosomal recessive limb-girdle muscular dystrophy type 2J. Last evaluated: 2023-12-06. Review status: criteria provided, single submitter. Criteria: Invitae Variant Classification Sherloc (09022015). Collection method: clinical testing. Allele origin: germline.
Comment: This sequence change creates a premature translational stop signal (p.Gln10509Argfs*118) in the TTN gene. While this is not anticipated to result in nonsense mediated decay, it is expected to create a truncated TTN protein. This variant is not present in population databases (gnomAD no frequency). This variant has not been reported in the literature in individuals affected with TTN-related conditions. ClinVar contains an entry for this variant (Variation ID: 1379814). This variant is located in the I band of TTN (PMID: 25589632). Truncating variants in this region have been reported in individuals affected with autosomal recessive centronuclear myopathy (PMID: 23975875). Truncating variants in this region have also been identified in individuals affected with autosomal dominant dilated cardiomyopathy and/or cardio-related conditions (PMID: 27869827, 32964742). In summary, the currently available evidence indicates that the variant is pathogenic, but additional data are needed to prove that conclusively. Therefore, this variant has been classified as Likely Pathogenic.

Literature cited by the submitters: PubMed 25589632; PubMed 23975875; PubMed 27869827; PubMed 32964742.